The following is an entry in ClinVar:

ClinVar aggregate classification (germline): Uncertain significance. Review status: criteria provided, multiple submitters, no conflicts (2 of 4 stars). 4 submissions from 4 submitters: Uncertain significance (4). Last evaluated 2024-10-29.

Conditions:
Inborn genetic diseases. Identifiers: MedGen C0950123, MeSH D030342.
Osteogenesis imperfecta type 8 (OI8). Identifiers: MedGen C1970458, MONDO:0012581, OMIM 610915.

Allele frequency attached by ClinVar (database versions not stated): TOPMed 0.00002; gnomAD exomes 0.00003 and 0.00008; ExAC 0.00005.
gnomAD v4.1: 113 of 1,611,304 alleles (0.007%); highest among the groups gnomAD compares: Non-Finnish European, 0.0092%; no homozygotes.

Submissions (4):

Ambry Genetics
Classification: Uncertain significance for Inborn genetic diseases. Last evaluated: 2024-10-29. Review status: criteria provided, single submitter. Criteria: Ambry Variant Classification Scheme 2023. Collection method: clinical testing. Allele origin: germline.

Genome-Nilou Lab
Classification: Uncertain significance for Osteogenesis imperfecta type 8. Last evaluated: 2023-04-11. Review status: criteria provided, single submitter. Criteria: ACMG Guidelines, 2015. Collection method: clinical testing. Allele origin: germline. Affected: no.

Labcorp Genetics (formerly Invitae), Labcorp
Classification: Uncertain significance for Osteogenesis imperfecta type 8. Last evaluated: 2022-06-27. Review status: criteria provided, single submitter. Criteria: Invitae Variant Classification Sherloc (09022015). Collection method: clinical testing. Allele origin: germline.
Comment: This sequence change replaces leucine, which is neutral and non-polar, with phenylalanine, which is neutral and non-polar, at codon 132 of the P3H1 protein (p.Leu132Phe). This variant is present in population databases (rs769782854, gnomAD 0.007%). This variant has not been reported in the literature in individuals affected with P3H1-related conditions. Algorithms developed to predict the effect of missense changes on protein structure and function are either unavailable or do not agree on the potential impact of this missense change (SIFT: "Tolerated"; PolyPhen-2: "Possibly Damaging"; Align-GVGD: "Class C0"). In summary, the available evidence is currently insufficient to determine the role of this variant in disease. Therefore, it has been classified as a Variant of Uncertain Significance.

Fulgent Genetics
Classification: Uncertain significance for Osteogenesis imperfecta type 8. Last evaluated: 2021-12-14. Review status: criteria provided, single submitter. Criteria: ACMG Guidelines, 2015. Collection method: clinical testing. Allele origin: unknown.

NM_022356.4(P3H1):c.394C>T (p.Leu132Phe)

Gene: P3H1 (prolyl 3-hydroxylase 1; minus strand). Cytogenetic location: 1p34.2.
Variant type: single nucleotide variant.
Coding change: c.394C>T on transcript NM_022356.4 (MANE Select); coding-DNA position 394, C replaced by T.
Protein change: p.Leu132Phe; replaces leucine 132 with phenylalanine.
Molecular consequence: missense variant.
Genome position (GRCh38, 1-based): chr1:42,766,578, G>A on the plus strand (C>T on the coding strand, the complement: P3H1 is on the minus strand). VCF-style: chr1-42766578-G-A. GRCh37 (hg19) VCF-style: chr1-43232249-G-A.
Other names: c.394C>T, p.Leu132Phe (NM_001146289.2, NM_001243246.2); c.394C>T (NM_022356.3); short protein forms L132F.
Identifiers: ClinVar variation 1349101 (VCV001349101.5), dbSNP rs769782854, ClinGen allele CA802194.